The following is an entry in ClinVar:

ClinVar aggregate classification (germline): Benign/Likely benign. Review status: criteria provided, multiple submitters, no conflicts (2 of 4 stars). 9 submissions from 9 submitters: Benign (8); Likely benign (1). Last evaluated 2026-02-04.

Conditions:
Ichthyosis linearis circumflexa. Identifiers: MedGen C0265962, MONDO:0043106, HP:0025810.
Netherton syndrome (NETH). Also called: ERYTHRODERMA, ICHTHYOSIFORM, WITH HYPOTRICHOSIS AND HYPER-IgE; COMEL-NETHERTON SYNDROME; NETHERTON DISEASE. Identifiers: Orphanet 634, MedGen C5574950, MONDO:0009735, OMIM 256500.

Allele frequency attached by ClinVar (database versions not stated): ESP Exome Variant Server 0.44098; 1000 Genomes Project 30x 0.44488; 1000 Genomes Project 0.44649; gnomAD 0.45563 and 0.45922; TOPMed 0.46054; ExAC 0.50697; gnomAD exomes 0.51086 and 0.51993.
gnomAD v4.1: 814,064 of 1,609,704 alleles (51%); highest among the groups gnomAD compares: Admixed American, 66%; 209,662 homozygotes.

Submissions (9):

Labcorp Genetics (formerly Invitae), Labcorp
Classification: Benign for Ichthyosis linearis circumflexa. Last evaluated: 2026-02-04. Review status: criteria provided, single submitter. Criteria: Invitae Variant Classification Sherloc (09022015). Collection method: clinical testing. Allele origin: germline.

Women's Health and Genetics/Laboratory Corporation of America, LabCorp
Classification: Benign. Last evaluated: 2026-01-08. Review status: criteria provided, single submitter. Criteria: LabCorp Variant Classification Summary - May 2015. Collection method: clinical testing. Allele origin: germline.

Blueprint Genetics
Classification: Likely benign. Last evaluated: 2024-11-26. Review status: criteria provided, single submitter. Criteria: ACMG Guidelines, 2015. Collection method: clinical testing. Allele origin: germline.

Unidad de Genómica Garrahan, Hospital de Pediatría Garrahan
Classification: Benign. Last evaluated: 2024-01-24. Review status: criteria provided, single submitter. Criteria: ACMG Guidelines, 2015. Collection method: clinical testing. Allele origin: germline. Affected: no. Observed: 78 variant alleles.
Comment: This variant is classified as Benign based on local population frequency. This variant was detected in 89% of patients studied by a panel of primary immunodeficiencies. Number of patients: 78. Only high quality variants are reported.

Genome-Nilou Lab
Classification: Benign for Netherton syndrome. Last evaluated: 2021-07-15. Review status: criteria provided, single submitter. Criteria: ACMG Guidelines, 2015. Collection method: clinical testing. Allele origin: germline. Affected: no.

Mayo Clinic Laboratories, Mayo Clinic
Classification: Benign. Last evaluated: 2018-07-03. Review status: criteria provided, single submitter. Criteria: ACMG Guidelines, 2015. Collection method: clinical testing. Allele origin: germline. Observed: 100 variant alleles.

Illumina Laboratory Services, Illumina
Classification: Benign for Netherton syndrome. Last evaluated: 2018-01-13. Review status: criteria provided, single submitter. Criteria: ICSL Variant Classification Criteria 13 December 2019. Collection method: clinical testing. Allele origin: germline.
Comment: This variant was observed in the ICSL laboratory as part of a predisposition screen in an ostensibly healthy population. It had not been previously curated by ICSL or reported in the Human Gene Mutation Database (HGMD: prior to June 1st, 2018), and was therefore a candidate for classification through an automated scoring system. Utilizing variant allele frequency, disease prevalence and penetrance estimates, and inheritance mode, an automated score was calculated to assess if this variant is too frequent to cause the disease. Based on the score and internal cut-off values, a variant classified as benign is not then subjected to further curation. The score for this variant resulted in a classification of benign for this disease.

Laboratory for Molecular Medicine, Mass General Brigham Personalized Medicine
Classification: Benign. Last evaluated: 2016-03-28. Review status: criteria provided, single submitter. Criteria: LMM Criteria. Collection method: clinical testing. Allele origin: germline.
Comment: Variant identified in a genome or exome case(s) and assessed due to predicted null impact of the variant or pathogenic assertions in the literature or databases. Disclaimer: This variant has not undergone full assessment. The following are preliminary notes: Frequency

PreventionGenetics, part of Exact Sciences
Classification: Benign. Review status: criteria provided, single submitter. Criteria: ACMG Guidelines, 2015. Collection method: clinical testing. Allele origin: germline.

NM_006846.4(SPINK5):c.1004C>T (p.Ala335Val)

Gene: SPINK5 (serine peptidase inhibitor Kazal type 5; plus strand). Cytogenetic location: 5q32.
Variant type: single nucleotide variant.
Coding change: c.1004C>T on transcript NM_006846.4 (MANE Select); coding-DNA position 1004, C replaced by T.
Protein change: p.Ala335Val; replaces alanine 335 with valine.
Molecular consequence: missense variant.
Genome position (GRCh38, 1-based): chr5:148,097,988, C>T. VCF-style: chr5-148097988-C-T. GRCh37 (hg19) VCF-style: chr5-147477551-C-T.
Other names: c.1004C>T, p.Ala335Val (NM_001127698.2, NM_001127699.2); short protein forms A335V.
Identifiers: ClinVar variation 139257 (VCV000139257.25), dbSNP rs34482796, ClinGen allele CA293693.